The following is an entry in ClinVar:

ClinVar aggregate classification (germline): Uncertain significance (1 of 4 stars; one submission).

Conditions:
Marfan syndrome (MFS). Also called: Marfan's syndrome; Marfan syndrome, classic; MARFAN SYNDROME, TYPE I; Marfan syndrome type 1; FBN1-Related Marfan Syndrome. Identifiers: Orphanet 284963, Orphanet 558, MedGen C0024796, MONDO:0007947, OMIM 154700.
Familial thoracic aortic aneurysm and aortic dissection (TAAD). Also called: Thoracic aortic aneurysms and dissections. Identifiers: Orphanet 91387, MedGen C4707243, MONDO:0019625.

Submission:

Labcorp Genetics (formerly Invitae), Labcorp
Classification: Uncertain significance for Marfan syndrome; Familial thoracic aortic aneurysm and aortic dissection. Last evaluated: 2024-04-29. Review status: criteria provided, single submitter. Criteria: Invitae Variant Classification Sherloc (09022015). Collection method: clinical testing. Allele origin: germline.
Comment: This sequence change replaces leucine, which is neutral and non-polar, with phenylalanine, which is neutral and non-polar, at codon 1992 of the FBN1 protein (p.Leu1992Phe). This variant is not present in population databases (gnomAD no frequency). This variant has not been reported in the literature in individuals affected with FBN1-related conditions. ClinVar contains an entry for this variant (Variation ID: 1718831). Advanced modeling of protein sequence and biophysical properties (such as structural, functional, and spatial information, amino acid conservation, physicochemical variation, residue mobility, and thermodynamic stability) performed at Invitae indicates that this missense variant is expected to disrupt FBN1 protein function with a positive predictive value of 95%. In summary, the available evidence is currently insufficient to determine the role of this variant in disease. Therefore, it has been classified as a Variant of Uncertain Significance.

NM_000138.5(FBN1):c.5976G>C (p.Leu1992Phe)

Gene: FBN1 (fibrillin 1; minus strand). Cytogenetic location: 15q21.1.
Variant type: single nucleotide variant.
Coding change: c.5976G>C on transcript NM_000138.5 (MANE Select); coding-DNA position 5976, G replaced by C.
Protein change: p.Leu1992Phe; replaces leucine 1992 with phenylalanine.
Molecular consequence: missense variant.
Genome position (GRCh38, 1-based): chr15:48,444,602, C>G on the plus strand (G>C on the coding strand, the complement: FBN1 is on the minus strand). VCF-style: chr15-48444602-C-G. GRCh37 (hg19) VCF-style: chr15-48736799-C-G.
Other names: c.5976G>C, p.Leu1992Phe (NM_001406716.1); short protein forms L1992F.
Identifiers: ClinVar variation 1718831 (VCV001718831.5), dbSNP rs2505452015, ClinGen allele CA392339778.